The following is an entry in ClinVar:

NM_001104.4(ACTN3):c.1110C>T (p.Ser370=)

Gene: ACTN3 (actinin alpha 3; plus strand). Cytogenetic location: 11q13.2.
Variant type: single nucleotide variant.
Coding change: c.1110C>T on transcript NM_001104.4 (MANE Select); coding-DNA position 1110, C replaced by T.
Protein change: p.Ser370=; no amino-acid change (serine 370 retained).
Molecular consequence: synonymous variant.
Genome position (GRCh38, 1-based): chr11:66,557,911, C>T. VCF-style: chr11-66557911-C-T. GRCh37 (hg19) VCF-style: chr11-66325382-C-T.
Other names: c.1239C>T, p.Ser413= (NM_001258371.3).
Identifiers: ClinVar variation 3037441 (VCV003037441.2), dbSNP rs144546392, ClinGen allele CA6124548.
Genomic context (GRCh38, chr11:66,557,911, plus strand): 5'-CAACTTCAACACACTGCAGACCAAGTTGCGGCTCAGCCACCGGCCTGCCTTCATGCCCTC[C>T]GAGGGCAAGCTGGTCTCGGTGAGCTCTACACACATTCCCTAGGTGACCTTGAGGTCCGTA-3'
Protein context (NP_001095.2, residues 360-380): RLSHRPAFMP[Ser370=]EGKLVSDIAN

ClinVar aggregate classification (germline): Likely benign (0 of 4 stars; one submission).

Conditions:
ACTN3-related disorder. Also called: ACTN3-related condition.

Allele frequency attached by ClinVar (database versions not stated): ESP Exome Variant Server 0.00031; gnomAD exomes 0.00134; gnomAD 0.00200; 1000 Genomes Project 0.00339; 1000 Genomes Project 30x 0.00359; ExAC 0.00363; TOPMed 0.00376.
gnomAD v4.1: 2,187 of 1,575,340 alleles (0.14%); highest among the groups gnomAD compares: Admixed American, 2.6%; 23 homozygotes.

Submission:

PreventionGenetics, part of Exact Sciences
Classification: Likely benign for ACTN3-related condition. Last evaluated: 2019-02-22. Review status: no assertion criteria provided. Collection method: clinical testing. Allele origin: germline.
Comment: This variant is classified as likely benign based on ACMG/AMP sequence variant interpretation guidelines (Richards et al. 2015 PMID: 25741868, with internal and published modifications).